The following is an entry in ClinVar:

NM_000372.5(TYR):c.71G>A (p.Cys24Tyr)

Gene: TYR (tyrosinase; plus strand). Cytogenetic location: 11q14.3.
Variant type: single nucleotide variant.
Coding change: c.71G>A on transcript NM_000372.5 (MANE Select); coding-DNA position 71, G replaced by A.
Protein change: p.Cys24Tyr; replaces cysteine 24 with tyrosine.
Molecular consequence: missense variant.
Genome position (GRCh38, 1-based): chr11:89,178,024, G>A. VCF-style: chr11-89178024-G-A. GRCh37 (hg19) VCF-style: chr11-88911192-G-A.
Other names: short protein forms C24Y.
Identifiers: ClinVar variation 1390436 (VCV001390436.14), dbSNP rs373333305, ClinGen allele CA6221033.

ClinVar aggregate classification (germline): Pathogenic. Review status: criteria provided, multiple submitters, no conflicts (2 of 4 stars). 8 submissions from 8 submitters: Pathogenic (7). 1 of the submissions does not count toward it. Last evaluated 2025-10-11.

Conditions:
Oculocutaneous albinism. Identifiers: Orphanet 55, MedGen C0078918, MONDO:0018910.
TYR-related disorder. Also called: TYR-related condition.
Oculocutaneous albinism type 1A (OCA1A). Also called: Albinism, oculocutaneous, type IA. Identifiers: Orphanet 352731, Orphanet 79431, MedGen C4551504, MONDO:0008745, OMIM 203100. Disease mechanism: loss of function.
Oculocutaneous albinism type 1B (OCA1B). Also called: ALBINISM, OCULOCUTANEOUS, TYPE IB; ALBINISM, YELLOW MUTANT TYPE; YELLOW ALBINISM. Identifiers: Orphanet 352731, Orphanet 352737, Orphanet 79434, MedGen C1847024, MONDO:0011749, OMIM 606952.
SKIN/HAIR/EYE PIGMENTATION 3, LIGHT/DARK SKIN (SHEP3). Also called: EYE COLOR 1; EYE COLOR, GREEN/BLUE; SKIN/HAIR/EYE PIGMENTATION, VARIATION IN, 3; SKIN/HAIR/EYE PIGMENTATION 3, BLUE/GREEN EYE COLOR; SKIN/HAIR/EYE PIGMENTATION 3, FRECKLING. Identifiers: MedGen C2677190, OMIM 601800.

Allele frequency attached by ClinVar (database versions not stated): gnomAD exomes below 0.00001; ExAC 0.00001; gnomAD 0.00001; TOPMed 0.00001; ESP Exome Variant Server 0.00008.
gnomAD v4.1: 6 of 1,614,086 alleles (0.00037%); highest among the groups gnomAD compares: Non-Finnish European, 0.00051%; no homozygotes.

Submissions (8):

Labcorp Genetics (formerly Invitae), Labcorp
Classification: Pathogenic. Last evaluated: 2025-10-11. Review status: criteria provided, single submitter. Criteria: Invitae Variant Classification Sherloc (09022015). Collection method: clinical testing. Allele origin: germline.
Comment: This sequence change replaces cysteine, which is neutral and slightly polar, with tyrosine, which is neutral and polar, at codon 24 of the TYR protein (p.Cys24Tyr). This variant is present in population databases (rs373333305, gnomAD 0.0009%). This missense change has been observed in individual(s) with oculocutaneous albinism (PMID: 18701257, 31077556, 31199599, 32552135). In at least one individual the data is consistent with being in trans (on the opposite chromosome) from a pathogenic variant. ClinVar contains an entry for this variant (Variation ID: 1390436). Invitae Evidence Modeling of protein sequence and biophysical properties (such as structural, functional, and spatial information, amino acid conservation, physicochemical variation, residue mobility, and thermodynamic stability) indicates that this missense variant is expected to disrupt TYR protein function with a positive predictive value of 95%. For these reasons, this variant has been classified as Pathogenic.

Fulgent Genetics
Classification: Pathogenic for Oculocutaneous albinism type 1A; SKIN/HAIR/EYE PIGMENTATION 3, LIGHT/DARK SKIN; Oculocutaneous albinism type 1B. Last evaluated: 2024-04-09. Review status: criteria provided, single submitter. Criteria: ACMG Guidelines, 2015. Collection method: clinical testing. Allele origin: germline.

Women's Health and Genetics/Laboratory Corporation of America, LabCorp
Classification: Pathogenic for Oculocutaneous albinism. Last evaluated: 2024-04-08. Review status: criteria provided, single submitter. Criteria: LabCorp Variant Classification Summary - May 2015. Collection method: clinical testing. Allele origin: germline.
Comment: Variant summary: TYR c.71G>A (p.Cys24Tyr) results in a non-conservative amino acid change in the encoded protein sequence. Five of five in-silico tools predict a damaging effect of the variant on protein function. The variant allele was found at a frequency of 4e-06 in 251472 control chromosomes (gnomAD). The available data on variant occurrences in the general population are insufficient to allow any conclusion about variant significance. c.71G>A has been reported in the literature in multiple individuals affected with Oculocutaneous Albinism (e.g., Wei_2022). These data indicate that the variant is very likely to be associated with disease. The following publication was ascertained in the context of this evaluation (PMID: 34838614). ClinVar contains an entry for this variant (Variation ID: 1390436). Based on the evidence outlined above, the variant was classified as pathogenic.

Baylor Genetics
Classification: Pathogenic for SKIN/HAIR/EYE PIGMENTATION 3, LIGHT/DARK SKIN. Last evaluated: 2023-11-14. Review status: criteria provided, single submitter. Criteria: ACMG Guidelines, 2015. Collection method: clinical testing. Allele origin: unknown.

GeneDx
Classification: Pathogenic. Last evaluated: 2022-01-17. Review status: criteria provided, single submitter. Criteria: GeneDx Variant Classification Process June 2021. Collection method: clinical testing. Allele origin: germline. Affected: yes.
Comment: Not observed at a significant frequency in large population cohorts (gnomAD); In silico analysis supports that this missense variant has a deleterious effect on protein structure/function; This variant is associated with the following publications: (PMID: 26165494, 18701257, 31077556, 31199599, 32725903)

Blueprint Genetics
Classification: Pathogenic for TYR-related disorders. Last evaluated: 2022-01-14. Review status: criteria provided, single submitter. Criteria: ACMG Guidelines, 2015. Collection method: clinical testing. Allele origin: germline. Affected: yes. Observed: 1 variant allele.

Juno Genomics, Hangzhou Juno Genomics, Inc
Classification: Pathogenic for Oculocutaneous albinism type 1A; Oculocutaneous albinism type 1B. Review status: criteria provided, single submitter. Criteria: ACMG Guidelines, 2015. Collection method: clinical testing. Allele origin: germline.
Comment: Absent from controls (or at extremely low frequency if recessive) in Genome Aggregation Database.;Multiple lines of computational evidence support a deleterious effect on the gene or gene product.;For recessive disorders, detected in trans with a pathogenic variant.

PreventionGenetics, part of Exact Sciences
Classification: Pathogenic for TYR-related condition. Last evaluated: 2024-07-29. Review status: no assertion criteria provided. Collection method: clinical testing. Allele origin: germline. Not counted in ClinVar's aggregate classification.
Comment: The TYR c.71G>A variant is predicted to result in the amino acid substitution p.Cys24Tyr. This variant has been reported in the compound heterozygous state in individuals with oculocutaneous albinism (Wang et al. 2009. PubMed ID: 18701257; Zhong et al. 2019. PubMed ID: 31077556; Lin et al. 2019. PubMed ID: 31199599). Alternate substitutions of this amino acid (p.Cys24Arg and p.Cys24Ser) have also been reported in individuals with oculocutaneous albinism (Wei et al. 2010. PubMed ID: 19865097; Table S1, Lasseaux et al. 2018. PubMed ID: 29345414). This variant is reported in 0.00088% of alleles in individuals of European (Non-Finnish) descent in gnomAD. Given the evidence, we interpret this variant as pathogenic.

Literature cited by the submitters: PubMed 18701257 (cited by Labcorp Genetics (formerly Invitae), Labcorp); PubMed 31077556 (cited by Labcorp Genetics (formerly Invitae), Labcorp); PubMed 31199599 (cited by Labcorp Genetics (formerly Invitae), Labcorp); PubMed 32552135 (cited by Labcorp Genetics (formerly Invitae), Labcorp); PubMed 34838614 (cited by Women's Health and Genetics/Laboratory Corporation of America, LabCorp).